The following is an entry in ClinVar:

ClinVar aggregate classification (germline): Uncertain significance (1 of 4 stars; one submission).

Conditions:
Cholestanol storage disease (CTX). Also called: CEREBRAL CHOLESTERINOSIS; CTX: Cerebrotendinous xanthomatosis; Cerebrotendinous Xanthomatosis. Identifiers: Orphanet 909, MedGen C0238052, MONDO:0008948, OMIM 213700.

Allele frequency attached by ClinVar (database versions not stated): TOPMed below 0.00001.

Submission:

Labcorp Genetics (formerly Invitae), Labcorp
Classification: Uncertain significance for Cholestanol storage disease. Last evaluated: 2022-08-10. Review status: criteria provided, single submitter. Criteria: Invitae Variant Classification Sherloc (09022015). Collection method: clinical testing. Allele origin: germline.
Comment: This sequence change replaces glycine, which is neutral and non-polar, with aspartic acid, which is acidic and polar, at codon 5 of the CYP27A1 protein (p.Gly5Asp). This variant is not present in population databases (gnomAD no frequency). This variant has not been reported in the literature in individuals affected with CYP27A1-related conditions. ClinVar contains an entry for this variant (Variation ID: 1354264). Advanced modeling of protein sequence and biophysical properties (such as structural, functional, and spatial information, amino acid conservation, physicochemical variation, residue mobility, and thermodynamic stability) performed at Invitae indicates that this missense variant is not expected to disrupt CYP27A1 protein function. In summary, the available evidence is currently insufficient to determine the role of this variant in disease. Therefore, it has been classified as a Variant of Uncertain Significance.

NM_000784.4(CYP27A1):c.14G>A (p.Gly5Asp)

Gene: CYP27A1 (cytochrome P450 family 27 subfamily A member 1; plus strand). Cytogenetic location: 2q35.
Variant type: single nucleotide variant.
Coding change: c.14G>A on transcript NM_000784.4 (MANE Select); coding-DNA position 14, G replaced by A.
Protein change: p.Gly5Asp; replaces glycine 5 with aspartic acid.
Molecular consequence: missense variant.
Genome position (GRCh38, 1-based): chr2:218,782,196, G>A. VCF-style: chr2-218782196-G-A. GRCh37 (hg19) VCF-style: chr2-219646919-G-A.
Other names: short protein forms G5D.
Identifiers: ClinVar variation 1354264 (VCV001354264.8), dbSNP rs1943396793, ClinGen allele CA350575283.